The following is an entry in ClinVar:

NM_001079843.3(CASZ1):c.1136G>A (p.Arg379Gln)

Gene: CASZ1 (castor zinc finger 1; minus strand). Cytogenetic location: 1p36.22.
Variant type: single nucleotide variant.
Coding change: c.1136G>A on transcript NM_001079843.3 (MANE Select); coding-DNA position 1136, G replaced by A.
Protein change: p.Arg379Gln; replaces arginine 379 with glutamine.
Molecular consequence: missense variant.
Genome position (GRCh38, 1-based): chr1:10,659,906, C>T on the plus strand (G>A on the coding strand, the complement: CASZ1 is on the minus strand). VCF-style: chr1-10659906-C-T. GRCh37 (hg19) VCF-style: chr1-10719963-C-T.
Other names: c.1136G>A, p.Arg379Gln (NM_017766.5); short protein forms R379Q.
Identifiers: ClinVar variation 1404323 (VCV001404323.8), dbSNP rs754256431, ClinGen allele CA585230.

ClinVar aggregate classification (germline): Uncertain significance (1 of 4 stars; one submission).

Allele frequency attached by ClinVar (database versions not stated): ExAC 0.00003; gnomAD exomes 0.00003 and 0.00005; TOPMed 0.00005; gnomAD 0.00016 and 0.00017.
gnomAD v4.1: 69 of 1,611,364 alleles (0.0043%); highest among the groups gnomAD compares: Admixed American, 0.057%; no homozygotes.

Submission:

Labcorp Genetics (formerly Invitae), Labcorp
Classification: Uncertain significance. Last evaluated: 2021-04-03. Review status: criteria provided, single submitter. Criteria: Invitae Variant Classification Sherloc (09022015). Collection method: clinical testing. Allele origin: germline.
Comment: In summary, the available evidence is currently insufficient to determine the role of this variant in disease. Therefore, it has been classified as a Variant of Uncertain Significance. Algorithms developed to predict the effect of missense changes on protein structure and function are either unavailable or do not agree on the potential impact of this missense change (SIFT: "Deleterious"; PolyPhen-2: "Probably Damaging"; Align-GVGD: "Class C0"). This variant has not been reported in the literature in individuals with CASZ1-related conditions. This variant is present in population databases (rs754256431, ExAC 0.02%). This sequence change replaces arginine with glutamine at codon 379 of the CASZ1 protein (p.Arg379Gln). The arginine residue is moderately conserved and there is a small physicochemical difference between arginine and glutamine.